The following is an entry in ClinVar:

ClinVar aggregate classification (germline): Uncertain significance (1 of 4 stars; one submission).

Allele frequency attached by ClinVar (database versions not stated): gnomAD exomes below 0.00001.

Submission:

Labcorp Genetics (formerly Invitae), Labcorp
Classification: Uncertain significance. Last evaluated: 2022-08-22. Review status: criteria provided, single submitter. Criteria: Invitae Variant Classification Sherloc (09022015). Collection method: clinical testing. Allele origin: germline.
Comment: In summary, the available evidence is currently insufficient to determine the role of this variant in disease. Therefore, it has been classified as a Variant of Uncertain Significance. Algorithms developed to predict the effect of missense changes on protein structure and function output the following: SIFT: "Tolerated"; PolyPhen-2: "Benign"; Align-GVGD: "Class C0". The leucine amino acid residue is found in multiple mammalian species, which suggests that this missense change does not adversely affect protein function. This variant has not been reported in the literature in individuals affected with PLEKHG2-related conditions. This variant is present in population databases (no rsID available, gnomAD 0.004%). This sequence change replaces proline, which is neutral and non-polar, with leucine, which is neutral and non-polar, at codon 855 of the PLEKHG2 protein (p.Pro855Leu).

NM_022835.3(PLEKHG2):c.2564C>T (p.Pro855Leu)

Gene: PLEKHG2 (pleckstrin homology and RhoGEF domain containing G2; plus strand). Cytogenetic location: 19q13.2.
Variant type: single nucleotide variant.
Coding change: c.2564C>T on transcript NM_022835.3 (MANE Select); coding-DNA position 2564, C replaced by T.
Protein change: p.Pro855Leu; replaces proline 855 with leucine.
Molecular consequence: missense variant. On other transcripts: intron variant (1).
Genome position (GRCh38, 1-based): chr19:39,423,618, C>T. VCF-style: chr19-39423618-C-T. GRCh37 (hg19) VCF-style: chr19-39914258-C-T.
Other names: c.2387C>T, p.Pro796Leu (NM_001351693.2); c.1677+1330C>T (NM_001351694.2); short protein forms P796L, P855L.
Identifiers: ClinVar variation 1923457 (VCV001923457.5), dbSNP rs911422182, ClinGen allele CA308244862.
Genomic context (GRCh38, chr19:39,423,618, plus strand): 5'-AGACTCGGGCATCAGCCAATGCCCCGCGCCGCCGGCCTCGGGTTCTGGCCCAACCCCAGC[C>T]ATCCCCCTGTCTGCCCCAGGAGCAGGCAGAGCCAGGTGAGGTCCGGGTACGTGGTTGGCA-3'
Protein context (NP_073746.2, residues 845-865): RRPRVLAQPQ[Pro855Leu]SPCLPQEQAE